The following is an entry in ClinVar:

NM_001130823.3(DNMT1):c.1245T>C (p.Tyr415=)

Gene: DNMT1 (DNA methyltransferase 1; minus strand). Cytogenetic location: 19p13.2.
Variant type: single nucleotide variant.
Coding change: c.1245T>C on transcript NM_001130823.3 (MANE Select); coding-DNA position 1245, T replaced by C.
Protein change: p.Tyr415=; no amino-acid change (tyrosine 415 retained).
Molecular consequence: synonymous variant.
Genome position (GRCh38, 1-based): chr19:10,159,693, A>G on the plus strand (T>C on the coding strand, the complement: DNMT1 is on the minus strand). VCF-style: chr19-10159693-A-G. GRCh37 (hg19) VCF-style: chr19-10270369-A-G.
Other names: c.1197T>C, p.Tyr399= (NM_001318730.2, NM_001379.4); c.882T>C, p.Tyr294= (NM_001318731.2); c.1245T>C (LRG_362t1, NM_001130823.2).
Identifiers: ClinVar variation 389511 (VCV000389511.14), dbSNP rs574479254, ClinGen allele CA9188349.

ClinVar aggregate classification (germline): Likely benign. Review status: criteria provided, multiple submitters, no conflicts (2 of 4 stars). 4 submissions from 4 submitters: Likely benign (4). Last evaluated 2026-03-19.

Conditions:
DNMT1-related disorder. Also called: DNMT1-related condition. Identifiers: MedGen CN381527.
Hereditary sensory neuropathy-deafness-dementia syndrome. Also called: Hereditary Sensory and Autonomic Neuropathy Type 1E (HSAN1E); HSN IE; Hereditary sensory neuropathy type IE; NEUROPATHY, HEREDITARY SENSORY, WITH HEARING LOSS AND DEMENTIA. Identifiers: Orphanet 456318, MedGen C3279885, MONDO:0013584, OMIM 614116.

Allele frequency attached by ClinVar (database versions not stated): gnomAD 0.00001 and 0.00005; TOPMed 0.00001; gnomAD exomes 0.00008 and 0.00012; ExAC 0.00015; 1000 Genomes Project 30x 0.00016; 1000 Genomes Project 0.00020.
gnomAD v4.1: 129 of 1,614,202 alleles (0.008%); highest among the groups gnomAD compares: South Asian, 0.08%; no homozygotes.

Submissions (4):

PreventionGenetics, part of Exact Sciences
Classification: Likely benign for DNMT1-related condition. Last evaluated: 2026-03-19. Review status: criteria provided, single submitter. Criteria: ACMG Guidelines, 2015. Collection method: clinical testing. Allele origin: germline.
Comment: This variant is classified as likely benign based on ACMG/AMP sequence variant interpretation guidelines (Richards et al. 2015 PMID: 25741868, with internal and published modifications).

Labcorp Genetics (formerly Invitae), Labcorp
Classification: Likely benign for Hereditary sensory neuropathy-deafness-dementia syndrome. Last evaluated: 2024-11-14. Review status: criteria provided, single submitter. Criteria: Invitae Variant Classification Sherloc (09022015). Collection method: clinical testing. Allele origin: germline.

Blueprint Genetics
Classification: Likely benign. Last evaluated: 2024-09-03. Review status: criteria provided, single submitter. Criteria: ACMG Guidelines, 2015. Collection method: clinical testing. Allele origin: germline.

GeneDx
Classification: Likely benign. Last evaluated: 2016-09-27. Review status: criteria provided, single submitter. Criteria: GeneDx Variant Classification (06012015). Collection method: clinical testing. Allele origin: germline. Affected: yes.
Comment: This variant is considered likely benign or benign based on one or more of the following criteria: it is a conservative change, it occurs at a poorly conserved position in the protein, it is predicted to be benign by multiple in silico algorithms, and/or has population frequency not consistent with disease.